The following is an entry in ClinVar:

ClinVar aggregate classification (germline): Pathogenic (1 of 4 stars; one submission).

Conditions:
Familial focal epilepsy with variable foci (FPEVF). Identifiers: Orphanet 98820, MedGen C1858477, MONDO:0020310.

Submission:

Labcorp Genetics (formerly Invitae), Labcorp
Classification: Pathogenic for Familial focal epilepsy with variable foci. Last evaluated: 2020-02-11. Review status: criteria provided, single submitter. Criteria: Invitae Variant Classification Sherloc (09022015). Collection method: clinical testing. Allele origin: germline.
Comment: For these reasons, this variant has been classified as Pathogenic. Loss-of-function variants in DEPDC5 are known to be pathogenic (PMID: 23542697, 23542701). This variant has not been reported in the literature in individuals with DEPDC5-related conditions. This variant is an out-of-frame deletion of the genomic region encompassing exons 11-14 of the DEPDC5 gene. This is expected to create a premature translational stop signal and result in an absent or disrupted protein product.

Literature cited by the submitters: PubMed 23542697; PubMed 23542701.

NC_000022.10:g.(?_32188019)_(32194642_?)del

Gene: DEPDC5 (DEP domain containing 5, GATOR1 subcomplex subunit; plus strand). Cytogenetic location: 22q12.2.
Variant type: Deletion.
Identifiers: ClinVar variation 1071273 (VCV001071273.6).